The following is an entry in ClinVar:

ClinVar aggregate classification (germline): Benign/Likely benign. Review status: criteria provided, multiple submitters, no conflicts (2 of 4 stars). 8 submissions from 8 submitters: Benign (2); Likely benign (5). 1 of the submissions does not count toward it. Last evaluated 2026-03-01.

Conditions:
Inborn genetic diseases. Identifiers: MedGen C0950123, MeSH D030342.
CHD8-related disorder. Also called: CHD8-related disorders; CHD8-related condition.

Allele frequency attached by ClinVar (database versions not stated): 1000 Genomes Project 0.00040; ESP Exome Variant Server 0.00074; 1000 Genomes Project 30x 0.00078; ExAC 0.00095; gnomAD 0.00099 and 0.00101; gnomAD exomes 0.00113 and 0.00115; TOPMed 0.00134.

Submissions (8):

CeGaT Center for Human Genetics Tuebingen
Classification: Likely benign. Last evaluated: 2026-03-01. Review status: criteria provided, single submitter. Criteria: CeGaT Center For Human Genetics Tuebingen Variant Classification Criteria Version 2. Collection method: clinical testing. Allele origin: germline. Affected: yes. Observed: 5 variant alleles.
Comment: CHD8: BS1

Labcorp Genetics (formerly Invitae), Labcorp
Classification: Benign. Last evaluated: 2026-01-26. Review status: criteria provided, single submitter. Criteria: Invitae Variant Classification Sherloc (09022015). Collection method: clinical testing. Allele origin: germline.

Blueprint Genetics
Classification: Likely benign. Last evaluated: 2024-11-25. Review status: criteria provided, single submitter. Criteria: ACMG Guidelines, 2015. Collection method: clinical testing. Allele origin: germline.

GeneDx
Classification: Benign. Last evaluated: 2018-12-06. Review status: criteria provided, single submitter. Criteria: GeneDx Variant Classification Process June 2021. Collection method: clinical testing. Allele origin: germline. Affected: yes.

Ambry Genetics
Classification: Likely benign for Inborn genetic diseases. Last evaluated: 2018-06-12. Review status: criteria provided, single submitter. Criteria: Ambry Variant Classification Scheme 2023. Collection method: clinical testing. Allele origin: germline.

Eurofins Ntd Llc (ga)
Classification: Likely benign. Last evaluated: 2015-10-06. Review status: criteria provided, single submitter. Criteria: EGL Classification Definitions 2015. Collection method: clinical testing. Allele origin: germline. Observed: 1 variant allele, 1 heterozygote.

Breakthrough Genomics
Classification: Likely benign. Review status: criteria provided, single submitter. Criteria: ACMG Guidelines, 2015. Collection method: not provided. Allele origin: germline. Inheritance: Autosomal dominant inheritance. Affected: yes.

PreventionGenetics, part of Exact Sciences
Classification: Likely benign for CHD8-related condition. Last evaluated: 2019-10-23. Review status: no assertion criteria provided. Collection method: clinical testing. Allele origin: germline. Not counted in ClinVar's aggregate classification.
Comment: This variant is classified as likely benign based on ACMG/AMP sequence variant interpretation guidelines (Richards et al. 2015 PMID: 25741868, with internal and published modifications).

NM_001170629.2(CHD8):c.871C>T (p.Leu291Phe)

Gene: CHD8 (chromodomain helicase DNA binding protein 8; minus strand). Cytogenetic location: 14q11.2.
Variant type: single nucleotide variant.
Coding change: c.871C>T on transcript NM_001170629.2 (MANE Select); coding-DNA position 871, C replaced by T.
Protein change: p.Leu291Phe; replaces leucine 291 with phenylalanine.
Molecular consequence: missense variant.
Genome position (GRCh38, 1-based): chr14:21,429,308, G>A on the plus strand (C>T on the coding strand, the complement: CHD8 is on the minus strand). VCF-style: chr14-21429308-G-A. GRCh37 (hg19) VCF-style: chr14-21897467-G-A.
Other names: c.34C>T, p.Leu12Phe (NM_020920.4); short protein forms L12F, L291F.
Identifiers: ClinVar variation 279764 (VCV000279764.44), dbSNP rs192989929, ClinGen allele CA7091873.